The following is an entry in ClinVar:

ClinVar aggregate classification (germline): Uncertain significance (1 of 4 stars; one submission).

Conditions:
Neuromuscular disease caused by qualitative or quantitative defects of dysferlin. Also called: Qualitative or quantitative defects of dysferlin; Dysferlinopathy. Identifiers: Orphanet 207073, MedGen C2931687, MONDO:0016145.

Allele frequency attached by ClinVar (database versions not stated): gnomAD 0.00001; ExAC 0.00005.
gnomAD v4.1: 6 of 1,544,806 alleles (0.00039%); highest among the groups gnomAD compares: Non-Finnish European, 0.00053%; no homozygotes.

Submission:

Labcorp Genetics (formerly Invitae), Labcorp
Classification: Uncertain significance for Neuromuscular disease caused by qualitative or quantitative defects of dysferlin. Last evaluated: 2022-06-05. Review status: criteria provided, single submitter. Criteria: Invitae Variant Classification Sherloc (09022015). Collection method: clinical testing. Allele origin: germline.
Comment: This sequence change replaces alanine, which is neutral and non-polar, with valine, which is neutral and non-polar, at codon 152 of the DYSF protein (p.Ala152Val). This variant is present in population databases (rs764206720, gnomAD 0.009%). This variant has not been reported in the literature in individuals affected with DYSF-related conditions. ClinVar contains an entry for this variant (Variation ID: 1359898). Algorithms developed to predict the effect of missense changes on protein structure and function (SIFT, PolyPhen-2, Align-GVGD) all suggest that this variant is likely to be tolerated. Algorithms developed to predict the effect of sequence changes on RNA splicing suggest that this variant may create or strengthen a splice site. In summary, the available evidence is currently insufficient to determine the role of this variant in disease. Therefore, it has been classified as a Variant of Uncertain Significance.

NM_001130987.2(DYSF):c.458C>T (p.Ala153Val)

Gene: DYSF (dysferlin; plus strand). Cytogenetic location: 2p13.2.
Variant type: single nucleotide variant.
Coding change: c.458C>T on transcript NM_001130987.2 (MANE Select); coding-DNA position 458, C replaced by T.
Protein change: p.Ala153Val; replaces alanine 153 with valine.
Molecular consequence: missense variant.
Genome position (GRCh38, 1-based): chr2:71,511,919, C>T. VCF-style: chr2-71511919-C-T. GRCh37 (hg19) VCF-style: chr2-71739049-C-T.
Other names: c.458C>T, p.Ala153Val (NM_001130455.2, NM_001130982.2, NM_001130983.2 and 3 more transcripts); c.455C>T, p.Ala152Val (NM_001130976.2, NM_001130977.2, NM_001130978.2 and 4 more transcripts); short protein forms A152V, A153V.
Identifiers: ClinVar variation 1359898 (VCV001359898.3), dbSNP rs764206720, ClinGen allele CA1705351.